The following is an entry in ClinVar:

NM_015141.4(GPD1L):c.585T>G (p.Asp195Glu)

Gene: GPD1L (glycerol-3-phosphate dehydrogenase 1 like; plus strand). Cytogenetic location: 3p22.3.
Variant type: single nucleotide variant.
Coding change: c.585T>G on transcript NM_015141.4 (MANE Select); coding-DNA position 585, T replaced by G.
Protein change: p.Asp195Glu; replaces aspartic acid 195 with glutamic acid.
Molecular consequence: missense variant.
Genome position (GRCh38, 1-based): chr3:32,146,701, T>G. VCF-style: chr3-32146701-T-G. GRCh37 (hg19) VCF-style: chr3-32188193-T-G.
Other names: short protein forms D195E.
Identifiers: ClinVar variation 1750138 (VCV001750138.2), dbSNP rs1700831983, ClinGen allele CA351967598.

ClinVar aggregate classification (germline): Uncertain significance (1 of 4 stars; one submission).

Conditions:
Cardiovascular phenotype. Identifiers: MedGen CN230736.

gnomAD v4.1: 1 of 1,612,402 alleles (0.000062%); no homozygotes.

Submission:

Ambry Genetics
Classification: Uncertain significance for Cardiovascular phenotype. Last evaluated: 2022-10-23. Review status: criteria provided, single submitter. Criteria: Ambry Variant Classification Scheme 2023. Collection method: clinical testing. Allele origin: germline.
Comment: The p.D195E variant (also known as c.585T>G), located in coding exon 5 of the GPD1L gene, results from a T to G substitution at nucleotide position 585. The aspartic acid at codon 195 is replaced by glutamic acid, an amino acid with highly similar properties. This amino acid position is conserved. In addition, this alteration is predicted to be tolerated by in silico analysis. Since supporting evidence is limited at this time, the clinical significance of this alteration remains unclear.